The following is an entry in ClinVar:

NM_000038.6(APC):c.448A>C (p.Lys150Gln)

Gene: APC (APC regulator of Wnt signaling pathway; plus strand). Cytogenetic location: 5q22.2.
Variant type: single nucleotide variant.
Coding change: c.448A>C on transcript NM_000038.6 (MANE Select); coding-DNA position 448, A replaced by C.
Protein change: p.Lys150Gln; replaces lysine 150 with glutamine.
Molecular consequence: missense variant. On other transcripts: 5 prime UTR variant (1).
Genome position (GRCh38, 1-based): chr5:112,775,654, A>C. VCF-style: chr5-112775654-A-C. GRCh37 (hg19) VCF-style: chr5-112111351-A-C.
Other names: c.448A>C, p.Lys150Gln (NM_001127510.3, NM_001354895.2, NM_001354896.2 and 16 more transcripts); c.478A>C, p.Lys160Gln (NM_001127511.3, NM_001354897.2, NM_001354902.2 and 1 more transcripts); c.373A>C, p.Lys125Gln (NM_001354898.2, NM_001354904.2, NM_001407451.1); c.271A>C, p.Lys91Gln (NM_001354900.2, NM_001354901.2, NM_001354905.2 and 1 more transcripts); c.-588A>C (NM_001354906.2, NM_001407470.1, NM_001407471.1 and 1 more transcripts); short protein forms K125Q, K160Q, K150Q, K91Q.
Identifiers: ClinVar variation 1740940 (VCV001740940.3), dbSNP rs878853444, ClinGen allele CA16022295.

ClinVar aggregate classification (germline): Uncertain significance (1 of 4 stars; one submission).

Conditions:
Hereditary cancer-predisposing syndrome. Also called: Hereditary Cancer Syndrome; Hereditary neoplastic syndrome; Neoplastic Syndromes, Hereditary; Tumor predisposition. Identifiers: Orphanet 140162, MedGen C0027672, MeSH D009386, MONDO:0015356.

Submission:

Ambry Genetics
Classification: Uncertain significance for Hereditary cancer-predisposing syndrome. Last evaluated: 2024-12-03. Review status: criteria provided, single submitter. Criteria: Ambry Variant Classification Scheme 2023. Collection method: clinical testing. Allele origin: germline.
Comment: The p.K150Q variant (also known as c.448A>C), located in coding exon 4 of the APC gene, results from an A to C substitution at nucleotide position 448. The lysine at codon 150 is replaced by glutamine, an amino acid with similar properties. This amino acid position is highly conserved in available vertebrate species. In addition, in silico predictors for this gene do not accurately predict pathogenicity. Missense alterations in APC are not a common cause of disease (Spier I et al. Genet Med. 2024 Feb;26(2):100992). Based on the available evidence, the clinical significance of this variant remains unclear.